The following is an entry in ClinVar:

NC_000023.10:g.(?_30322696)_(30327480_?)del

Gene: NR0B1 (nuclear receptor subfamily 0 group B member 1; minus strand). Cytogenetic location: Xp21.2.
Variant type: Deletion.
Identifiers: ClinVar variation 2423142 (VCV002423142.3).

ClinVar aggregate classification (germline): Pathogenic (1 of 4 stars; one submission).

Conditions:
46,XY sex reversal 2. Also called: NR0B1-Related 46,XY CGD; NR0B1-related 46,XY complete gonadal dysgenesis; Dosage-sensitive sex reversal; 46XY sex reversal 2, dosage-sensitive; 46,XY SEX REVERSAL, DAX1-RELATED. Identifiers: MedGen C1848296, MONDO:0010226, OMIM 300018.
Congenital adrenal hypoplasia, X-linked (AHC). Also called: X-linked AHC; X-Linked Adrenal Hypoplasia Congenita; ADRENAL HYPOPLASIA, CONGENITAL, WITH HYPOGONADOTROPIC HYPOGONADISM; Isolated X-Linked Adrenal Hypoplasia Congenita. Identifiers: Orphanet 95702, MedGen C0342482, MONDO:0010264, OMIM 300200. Disease mechanism: loss of function.

Submission:

Labcorp Genetics (formerly Invitae), Labcorp
Classification: Pathogenic for Congenital adrenal hypoplasia, X-linked; 46,XY sex reversal 2. Last evaluated: 2021-09-08. Review status: criteria provided, single submitter. Criteria: Invitae Variant Classification Sherloc (09022015). Collection method: clinical testing. Allele origin: germline.
Comment: A gross deletion of the genomic region encompassing the full coding sequence of the NR0B1 gene has been identified. Loss-of-function variants in NR0B1 are known to be pathogenic (PMID: 7990958, 15841486). The boundaries of this event are unknown as they extend beyond the assayed region for this gene and therefore may encompass additional genes. A similar copy number variant has been observed in individual(s) with adrenal hypoplasia congenita and hypogonadotropic hypogonadism (PMID: 7609262, 9195207, 22761912). For these reasons, this variant has been classified as Pathogenic.

Literature cited by the submitters: PubMed 7990958; PubMed 15841486; PubMed 7609262; PubMed 9195207; PubMed 22761912.